The following is an entry in ClinVar:

ClinVar aggregate classification (germline): Uncertain significance (1 of 4 stars; one submission).

Submission:

CeGaT Center for Human Genetics Tuebingen
Classification: Uncertain significance. Last evaluated: 2024-06-01. Review status: criteria provided, single submitter. Criteria: CeGaT Center For Human Genetics Tuebingen Variant Classification Criteria Version 2. Collection method: clinical testing. Allele origin: germline. Affected: yes. Observed: 1 variant allele.
Comment: CLTC: PM2, PP2

NM_004859.4(CLTC):c.2531A>G (p.Glu844Gly)

Gene: CLTC (clathrin heavy chain; plus strand). Cytogenetic location: 17q23.1.
Variant type: single nucleotide variant.
Coding change: c.2531A>G on transcript NM_004859.4 (MANE Select); coding-DNA position 2531, A replaced by G.
Protein change: p.Glu844Gly; replaces glutamic acid 844 with glycine.
Molecular consequence: missense variant.
Genome position (GRCh38, 1-based): chr17:59,674,813, A>G. VCF-style: chr17-59674813-A-G. GRCh37 (hg19) VCF-style: chr17-57752174-A-G.
Other names: c.2543A>G, p.Glu848Gly (NM_001288653.2); short protein forms E844G, E848G.
Identifiers: ClinVar variation 3251024 (VCV003251024.18), dbSNP rs2509140814.